The following is an entry in ClinVar:

ClinVar aggregate classification (germline): Uncertain significance (1 of 4 stars; one submission).

Allele frequency attached by ClinVar (database versions not stated): gnomAD 0.00001; TOPMed 0.00002.
gnomAD v4.1: 1 of 1,613,424 alleles (0.000062%); highest among the groups gnomAD compares: African/African-American, 0.0013%; no homozygotes.

Submission:

Labcorp Genetics (formerly Invitae), Labcorp
Classification: Uncertain significance. Last evaluated: 2023-08-07. Review status: criteria provided, single submitter. Criteria: Invitae Variant Classification Sherloc (09022015). Collection method: clinical testing. Allele origin: germline.
Comment: In summary, the available evidence is currently insufficient to determine the role of this variant in disease. Therefore, it has been classified as a Variant of Uncertain Significance. Advanced modeling of protein sequence and biophysical properties (such as structural, functional, and spatial information, amino acid conservation, physicochemical variation, residue mobility, and thermodynamic stability) performed at Invitae indicates that this missense variant is not expected to disrupt DNA2 protein function. This variant has not been reported in the literature in individuals affected with DNA2-related conditions. This variant is not present in population databases (gnomAD no frequency). This sequence change replaces threonine, which is neutral and polar, with serine, which is neutral and polar, at codon 392 of the DNA2 protein (p.Thr392Ser).

NM_001080449.3(DNA2):c.1175C>G (p.Thr392Ser)

Gene: DNA2 (DNA replication helicase/nuclease 2; minus strand). Cytogenetic location: 10q21.3.
Variant type: single nucleotide variant.
Coding change: c.1175C>G on transcript NM_001080449.3 (MANE Select); coding-DNA position 1175, C replaced by G.
Protein change: p.Thr392Ser; replaces threonine 392 with serine.
Molecular consequence: missense variant. On other transcripts: non-coding transcript variant (1).
Genome position (GRCh38, 1-based): chr10:68,444,966, G>C on the plus strand (C>G on the coding strand, the complement: DNA2 is on the minus strand). VCF-style: chr10-68444966-G-C. GRCh37 (hg19) VCF-style: chr10-70204723-G-C.
Other names: short protein forms T392S.
Identifiers: ClinVar variation 2960971 (VCV002960971.3), dbSNP rs1365020435, ClinGen allele CA376862519.